The following is an entry in ClinVar:

ClinVar aggregate classification (germline): Uncertain significance (1 of 4 stars; one submission).

Conditions:
Noonan syndrome 12. Identifiers: MedGen C5231432, MONDO:0032839, OMIM 618624.

Submission:

Juno Genomics, Hangzhou Juno Genomics, Inc
Classification: Uncertain significance for Noonan syndrome 12. Review status: criteria provided, single submitter. Criteria: ACMG Guidelines, 2015. Collection method: clinical testing. Allele origin: germline.
Comment: Absent from controls (or at extremely low frequency if recessive) in Genome Aggregation Database.;Protein length changes due to in-frame deletions/insertions in a non-repeat region or stop-loss variants.

NM_012250.6(RRAS2):c.613T>C (p.Ter205Gln)

Gene: RRAS2 (RAS related 2; minus strand). Cytogenetic location: 11p15.2.
Variant type: single nucleotide variant.
Coding change: c.613T>C on transcript NM_012250.6 (MANE Select); coding-DNA position 613, T replaced by C.
Protein change: p.Ter205Gln.
Molecular consequence: stop lost.
Genome position (GRCh38, 1-based): chr11:14,279,339, A>G on the plus strand (T>C on the coding strand, the complement: RRAS2 is on the minus strand). VCF-style: chr11-14279339-A-G. GRCh37 (hg19) VCF-style: chr11-14300885-A-G.
Other names: c.382T>C, p.Ter128Gln (NM_001102669.3, NM_001177315.2, NM_001440712.1 and 3 more transcripts); c.508T>C, p.Ter170Gln (NM_001177314.2); c.751T>C, p.Ter251Gln (NM_001440708.1); c.520T>C, p.Ter174Gln (NM_001440709.1, NM_001440710.1); c.517T>C, p.Ter173Gln (NM_001440711.1).
Identifiers: ClinVar variation 5007819 (VCV005007819.2).